The following is an entry in ClinVar:

NM_030787.4(CFHR5):c.1153dup (p.Arg385fs)

Gene: CFHR5 (complement factor H related 5; plus strand). Cytogenetic location: 1q31.3.
Variant type: Duplication.
Coding change: c.1153dup on transcript NM_030787.4 (MANE Select); coding-DNA position 1153, one base duplicated (A; older notation c.1153dupA).
Protein change: p.Arg385fs; shifts the reading frame from arginine 385.
Molecular consequence: frameshift variant.
Genome position (GRCh38, 1-based): chr1:197,002,487, A duplicated; the last of 6 consecutive A bases (chr1:197,002,482-197,002,487); duplicating any one gives the same sequence. VCF-style (leftmost placement, unchanged base first): chr1-197002481-G-GA. GRCh37 (hg19) VCF-style: chr1-196971611-G-GA.
Other names: short protein forms R385fs.
Identifiers: ClinVar variation 2729378 (VCV002729378.4), dbSNP rs746674215, ClinGen allele CA1307983.

ClinVar aggregate classification (germline): Uncertain significance. Review status: criteria provided, multiple submitters, no conflicts (2 of 4 stars). 2 submissions from 2 submitters: Uncertain significance (2). Last evaluated 2024-02-08.

Conditions:
C3 glomerulonephritis. Also called: C3 GLOMERULOPATHY 3; Nephropathy due to CFHR5 Deficiency. Identifiers: Orphanet 329931, MedGen C4055342, MONDO:0013892, OMIM 614809.

Submissions (2):

Fulgent Genetics
Classification: Uncertain significance for C3 glomerulonephritis. Last evaluated: 2024-02-08. Review status: criteria provided, single submitter. Criteria: ACMG Guidelines, 2015. Collection method: clinical testing. Allele origin: germline.

Labcorp Genetics (formerly Invitae), Labcorp
Classification: Uncertain significance. Last evaluated: 2023-12-02. Review status: criteria provided, single submitter. Criteria: Invitae Variant Classification Sherloc (09022015). Collection method: clinical testing. Allele origin: germline.
Comment: This sequence change creates a premature translational stop signal (p.Arg385Lysfs*13) in the CFHR5 gene. It is expected to result in an absent or disrupted protein product. However, the current clinical and genetic evidence is not sufficient to establish whether loss-of-function variants in CFHR5 cause disease. This variant is present in population databases (rs746674215, gnomAD 0.02%). This variant has not been reported in the literature in individuals affected with CFHR5-related conditions. Algorithms developed to predict the effect of sequence changes on RNA splicing suggest that this variant may disrupt the consensus splice site. In summary, the available evidence is currently insufficient to determine the role of this variant in disease. Therefore, it has been classified as a Variant of Uncertain Significance.